The following is an entry in ClinVar:

ClinVar aggregate classification (germline): Uncertain significance. Review status: criteria provided, multiple submitters, no conflicts (2 of 4 stars). 2 submissions from 2 submitters: Uncertain significance (2). Last evaluated 2025-03-27.

Conditions:
Inborn genetic diseases. Identifiers: MedGen C0950123, MeSH D030342.

Submissions (2):

Mayo Clinic Laboratories, Mayo Clinic
Classification: Uncertain significance. Last evaluated: 2025-03-27. Review status: criteria provided, single submitter. Criteria: ACMG Guidelines, 2015. Collection method: clinical testing. Allele origin: germline. Observed: 1 variant allele.
Comment: BP4_moderate, PM2_supporting

Ambry Genetics
Classification: Uncertain significance for Inborn genetic diseases. Last evaluated: 2024-12-04. Review status: criteria provided, single submitter. Criteria: Ambry Variant Classification Scheme 2023. Collection method: clinical testing. Allele origin: germline.
Comment: The p.K430N variant (also known as c.1290G>T), located in coding exon 1 of the SAMD9L gene, results from a G to T substitution at nucleotide position 1290. The lysine at codon 430 is replaced by asparagine, an amino acid with similar properties. This amino acid position is conserved. In addition, this alteration is predicted to be tolerated by in silico analysis. Based on the available evidence, the clinical significance of this variant remains unclear.

NM_152703.5(SAMD9L):c.1290G>T (p.Lys430Asn)

Gene: SAMD9L (sterile alpha motif domain containing 9 like; minus strand). Cytogenetic location: 7q21.2.
Variant type: single nucleotide variant.
Coding change: c.1290G>T on transcript NM_152703.5 (MANE Select); coding-DNA position 1290, G replaced by T.
Protein change: p.Lys430Asn; replaces lysine 430 with asparagine.
Molecular consequence: missense variant.
Genome position (GRCh38, 1-based): chr7:93,134,682, C>A on the plus strand (G>T on the coding strand, the complement: SAMD9L is on the minus strand). VCF-style: chr7-93134682-C-A. GRCh37 (hg19) VCF-style: chr7-92763995-C-A.
Other names: p.Lys430Asn; c.1290G>T, p.Lys430Asn (NM_001303496.3, NM_001303497.3, NM_001303498.3 and 5 more transcripts); short protein forms K430N.
Identifiers: ClinVar variation 3437219 (VCV003437219.2).